The following is an entry in ClinVar:

NM_001243279.3(ACSF3):c.943G>A (p.Asp315Asn)

Gene: ACSF3 (acyl-CoA synthetase family member 3; plus strand). Cytogenetic location: 16q24.3.
Variant type: single nucleotide variant.
Coding change: c.943G>A on transcript NM_001243279.3 (MANE Select); coding-DNA position 943, G replaced by A.
Protein change: p.Asp315Asn; replaces aspartic acid 315 with asparagine.
Molecular consequence: missense variant. On other transcripts: non-coding transcript variant (3).
Genome position (GRCh38, 1-based): chr16:89,112,212, G>A. VCF-style: chr16-89112212-G-A. GRCh37 (hg19) VCF-style: chr16-89178620-G-A.
Other names: c.148G>A, p.Asp50Asn (NM_001284316.2); c.943G>A, p.Asp315Asn (NM_174917.5, NM_001127214.4); short protein forms D315N, D50N.
Identifiers: ClinVar variation 991081 (VCV000991081.3), dbSNP rs774006607, ClinGen allele CA8237891.
Genomic context (GRCh38, chr16:89,112,212, plus strand): 5'-ACAATATACACCAAGCTGATGGAGTACTACGACAGGCATTTTACCCAGCCGCACGCCCAG[G>A]ATTTCTTGCGTGCAGTTTGTGAAGAAAAAATTAGGTAAGTGAAAAGAGCCCACTTTCTCG-3'
Protein context (NP_001230208.1, residues 305-325): DRHFTQPHAQ[Asp315Asn]FLRAVCEEKI

ClinVar aggregate classification (germline): Uncertain significance. Review status: criteria provided, single submitter (1 of 4 stars). 2 submissions from 2 submitters: Uncertain significance (1). 1 of the submissions does not count toward it. Last evaluated 2022-09-06.

Conditions:
Methylmalonic acidemia (MMA). Also called: Isolated Methylmalonic Acidemia. Identifiers: MedGen C0268583, MeSH C537358, MONDO:0002012, HP:0002912.
Combined malonic and methylmalonic acidemia. Identifiers: Orphanet 289504, MedGen C3280314, MONDO:0013661, OMIM 614265.

Allele frequency attached by ClinVar (database versions not stated): gnomAD exomes 0.00004; ExAC 0.00005; gnomAD 0.00005 and 0.00006; TOPMed 0.00005.
gnomAD v4.1: 67 of 1,614,090 alleles (0.0042%); highest among the groups gnomAD compares: Non-Finnish European, 0.0056%; no homozygotes.

Submissions (2):

Labcorp Genetics (formerly Invitae), Labcorp
Classification: Uncertain significance for Combined malonic and methylmalonic acidemia. Last evaluated: 2022-09-06. Review status: criteria provided, single submitter. Criteria: Invitae Variant Classification Sherloc (09022015). Collection method: clinical testing. Allele origin: germline.
Comment: This sequence change replaces aspartic acid, which is acidic and polar, with asparagine, which is neutral and polar, at codon 315 of the ACSF3 protein (p.Asp315Asn). This variant is present in population databases (rs774006607, gnomAD 0.01%). This variant has not been reported in the literature in individuals affected with ACSF3-related conditions. ClinVar contains an entry for this variant (Variation ID: 991081). Algorithms developed to predict the effect of missense changes on protein structure and function are either unavailable or do not agree on the potential impact of this missense change (SIFT: "Tolerated"; PolyPhen-2: "Possibly Damaging"; Align-GVGD: "Class C0"). In summary, the available evidence is currently insufficient to determine the role of this variant in disease. Therefore, it has been classified as a Variant of Uncertain Significance.

Natera, Inc.
Classification: Uncertain significance for Methylmalonic acidemia. Last evaluated: 2020-08-24. Review status: no assertion criteria provided. Collection method: clinical testing. Allele origin: germline. Not counted in ClinVar's aggregate classification.